The following is an entry in ClinVar:

NM_013275.6(ANKRD11):c.4596G>A (p.Glu1532=)

Gene: ANKRD11 (ankyrin repeat domain 11; minus strand). Cytogenetic location: 16q24.3.
Variant type: single nucleotide variant.
Coding change: c.4596G>A on transcript NM_013275.6 (MANE Select); coding-DNA position 4596, G replaced by A.
Protein change: p.Glu1532=; no amino-acid change (glutamic acid 1532 retained).
Molecular consequence: synonymous variant.
Genome position (GRCh38, 1-based): chr16:89,281,946, C>T on the plus strand (G>A on the coding strand, the complement: ANKRD11 is on the minus strand). VCF-style: chr16-89281946-C-T. GRCh37 (hg19) VCF-style: chr16-89348354-C-T.
Other names: c.4596G>A, p.Glu1532= (NM_001256182.2, NM_001256183.2).
Identifiers: ClinVar variation 3029899 (VCV003029899.3), dbSNP rs2544231955, ClinGen allele CA497374132.
Genomic context (GRCh38, chr16:89,281,946, plus strand): 5'-ATTCCCGTTGCTCATCTTCACTGGGTCGCCCTTTTCTTTCTCTGCACCGTCCTTGAATTT[C>T]TCCTTCAGTTTGGCATCGCCGAGCCTCGGGCCCTCGTCCCTGGACTTGTCTTTGAGCACG-3'
Protein context (NP_037407.4, residues 1522-1542): GPRLGDAKLK[Glu1532=]KFKDGAEKEK

ClinVar aggregate classification (germline): Likely benign. Review status: criteria provided, single submitter (1 of 4 stars). 2 submissions from 2 submitters: Likely benign (1). 1 of the submissions does not count toward it. Last evaluated 2023-08-16.

Conditions:
ANKRD11-related disorder. Also called: ANKRD11-related condition.

Submissions (2):

Blueprint Genetics
Classification: Likely benign. Last evaluated: 2023-08-16. Review status: criteria provided, single submitter. Criteria: ACMG Guidelines, 2015. Collection method: clinical testing. Allele origin: germline.

PreventionGenetics, part of Exact Sciences
Classification: Likely benign for ANKRD11-related condition. Last evaluated: 2023-03-09. Review status: no assertion criteria provided. Collection method: clinical testing. Allele origin: germline. Not counted in ClinVar's aggregate classification.
Comment: This variant is classified as likely benign based on ACMG/AMP sequence variant interpretation guidelines (Richards et al. 2015 PMID: 25741868, with internal and published modifications).